The following is an entry in ClinVar:

NM_002661.5(PLCG2):c.1265A>G (p.Lys422Arg)

Gene: PLCG2 (phospholipase C gamma 2; plus strand). Cytogenetic location: 16q23.3.
Variant type: single nucleotide variant.
Coding change: c.1265A>G on transcript NM_002661.5 (MANE Select); coding-DNA position 1265, A replaced by G.
Protein change: p.Lys422Arg; replaces lysine 422 with arginine.
Molecular consequence: missense variant.
Genome position (GRCh38, 1-based): chr16:81,900,683, A>G. VCF-style: chr16-81900683-A-G. GRCh37 (hg19) VCF-style: chr16-81934288-A-G.
Other names: short protein forms K422R.
Identifiers: ClinVar variation 963134 (VCV000963134.9), dbSNP rs1909111711, ClinGen allele CA396899352.

ClinVar aggregate classification (germline): Uncertain significance (1 of 4 stars; one submission).

Conditions:
Familial cold autoinflammatory syndrome 3 (FCAS3). Also called: FAMILIAL ATYPICAL COLD URTICARIA; ANTIBODY DEFICIENCY AND IMMUNE DYSREGULATION, PLCG2-ASSOCIATED. Identifiers: Orphanet 300359, MedGen C3280914, MONDO:0013766, OMIM 614468.

Submission:

Labcorp Genetics (formerly Invitae), Labcorp
Classification: Uncertain significance for Familial cold autoinflammatory syndrome 3. Last evaluated: 2019-07-10. Review status: criteria provided, single submitter. Criteria: Invitae Variant Classification Sherloc (09022015). Collection method: clinical testing. Allele origin: germline.
Comment: Algorithms developed to predict the effect of missense changes on protein structure and function output the following: SIFT: "Tolerated"; PolyPhen-2: "Benign"; Align-GVGD: "Class C0". The arginine amino acid residue is found in multiple mammalian species, suggesting that this missense change does not adversely affect protein function. These predictions have not been confirmed by published functional studies and their clinical significance is uncertain. This sequence change replaces lysine with arginine at codon 422 of the PLCG2 protein (p.Lys422Arg). The lysine residue is highly conserved and there is a small physicochemical difference between lysine and arginine. This variant is not present in population databases (ExAC no frequency). This variant has not been reported in the literature in individuals with PLCG2-related conditions. In summary, the available evidence is currently insufficient to determine the role of this variant in disease. Therefore, it has been classified as a Variant of Uncertain Significance.